The following is an entry in ClinVar:

ClinVar aggregate classification (germline): Uncertain significance (1 of 4 stars; one submission).

Conditions:
Ataxia-telangiectasia syndrome (AT). Also called: Cerebello-oculocutaneous telangiectasia; Immunodeficiency with ataxia telangiectasia; Ataxia-telangiectasia, complementation group E; Ataxia-telangiectasia, complementation group D; LOUIS-BAR SYNDROME; AT, COMPLEMENTATION GROUP C. Identifiers: Orphanet 100, MedGen C0004135, MONDO:0008840, OMIM 208900.

Allele frequency attached by ClinVar (database versions not stated): gnomAD exomes below 0.00001.

Submission:

Labcorp Genetics (formerly Invitae), Labcorp
Classification: Uncertain significance for Ataxia-telangiectasia syndrome. Last evaluated: 2023-02-18. Review status: criteria provided, single submitter. Criteria: Invitae Variant Classification Sherloc (09022015). Collection method: clinical testing. Allele origin: germline.
Comment: In summary, the available evidence is currently insufficient to determine the role of this variant in disease. Therefore, it has been classified as a Variant of Uncertain Significance. Algorithms developed to predict the effect of sequence changes on RNA splicing suggest that this variant may disrupt the consensus splice site. This variant has not been reported in the literature in individuals affected with ATM-related conditions. This variant is not present in population databases (gnomAD no frequency). This sequence change falls in intron 12 of the ATM gene. It does not directly change the encoded amino acid sequence of the ATM protein.

NM_000051.4(ATM):c.1899-18G>T

Gene: ATM (ATM serine/threonine kinase; plus strand). Cytogenetic location: 11q22.3.
Variant type: single nucleotide variant.
Coding change: c.1899-18G>T on transcript NM_000051.4 (MANE Select); 18 bases into the intron before coding-DNA position 1899, G replaced by T.
Molecular consequence: intron variant.
Genome position (GRCh38, 1-based): chr11:108,253,796, G>T. VCF-style: chr11-108253796-G-T. GRCh37 (hg19) VCF-style: chr11-108124523-G-T.
Other names: c.1899-18G>T (NM_001351834.2).
Identifiers: ClinVar variation 2838688 (VCV002838688.3), dbSNP rs2135364989, ClinGen allele CA2615844135.